The following is an entry in ClinVar:

ClinVar aggregate classification (germline): Uncertain significance (1 of 4 stars; one submission).

Conditions:
Hereditary cancer-predisposing syndrome. Also called: Tumor predisposition; Neoplastic Syndromes, Hereditary; Hereditary Cancer Syndrome; Hereditary neoplastic syndrome. Identifiers: Orphanet 140162, MedGen C0027672, MeSH D009386, MONDO:0015356.

Submission:

Ambry Genetics
Classification: Uncertain significance for Hereditary cancer-predisposing syndrome. Last evaluated: 2024-08-05. Review status: criteria provided, single submitter. Criteria: Ambry Variant Classification Scheme 2023. Collection method: clinical testing. Allele origin: germline.
Comment: The p.A124G variant (also known as c.371C>G), located in coding exon 2 of the FLCN gene, results from a C to G substitution at nucleotide position 371. The alanine at codon 124 is replaced by glycine, an amino acid with similar properties. This amino acid position is conserved. In addition, this alteration is predicted to be deleterious by in silico analysis. Based on the available evidence, the clinical significance of this variant remains unclear.

NM_144997.7(FLCN):c.371C>G (p.Ala124Gly)

Gene: FLCN (folliculin; minus strand). Cytogenetic location: 17p11.2.
Variant type: single nucleotide variant.
Coding change: c.371C>G on transcript NM_144997.7 (MANE Select); coding-DNA position 371, C replaced by G.
Protein change: p.Ala124Gly; replaces alanine 124 with glycine.
Molecular consequence: missense variant.
Genome position (GRCh38, 1-based): chr17:17,226,201, G>C on the plus strand (C>G on the coding strand, the complement: FLCN is on the minus strand). VCF-style: chr17-17226201-G-C. GRCh37 (hg19) VCF-style: chr17-17129515-G-C.
Other names: c.371C>G, p.Ala124Gly (NM_001353229.2, NM_001353230.2, NM_001353231.2 and 1 more transcripts); short protein forms A124G.
Identifiers: ClinVar variation 3515634 (VCV003515634.1).